The following is an entry in ClinVar:

NM_005732.4(RAD50):c.3323T>C (p.Met1108Thr)

Gene: RAD50 (RAD50 double strand break repair protein; plus strand). Cytogenetic location: 5q31.1.
Variant type: single nucleotide variant.
Coding change: c.3323T>C on transcript NM_005732.4 (MANE Select); coding-DNA position 3323, T replaced by C.
Protein change: p.Met1108Thr; replaces methionine 1108 with threonine.
Molecular consequence: missense variant.
Genome position (GRCh38, 1-based): chr5:132,618,228, T>C. VCF-style: chr5-132618228-T-C. GRCh37 (hg19) VCF-style: chr5-131953920-T-C.
Other names: c.3323T>C (NM_005732.3); short protein forms M1108T.
Identifiers: ClinVar variation 2064720 (VCV002064720.6), dbSNP rs2479388783, ClinGen allele CA360964868.

ClinVar aggregate classification (germline): Uncertain significance. Review status: criteria provided, multiple submitters, no conflicts (2 of 4 stars). 2 submissions from 2 submitters: Uncertain significance (2). Last evaluated 2023-05-31.

Conditions:
Hereditary cancer-predisposing syndrome. Also called: Tumor predisposition; Hereditary neoplastic syndrome; Neoplastic Syndromes, Hereditary; Hereditary Cancer Syndrome. Identifiers: Orphanet 140162, MedGen C0027672, MeSH D009386, MONDO:0015356.

Submissions (2):

Ambry Genetics
Classification: Uncertain significance for Hereditary cancer-predisposing syndrome. Last evaluated: 2023-05-31. Review status: criteria provided, single submitter. Criteria: Ambry Variant Classification Scheme 2023. Collection method: clinical testing. Allele origin: germline.
Comment: The p.M1108T variant (also known as c.3323T>C), located in coding exon 21 of the RAD50 gene, results from a T to C substitution at nucleotide position 3323. The methionine at codon 1108 is replaced by threonine, an amino acid with similar properties. This amino acid position is conserved. In addition, this alteration is predicted to be deleterious by in silico analysis. Since supporting evidence is limited at this time, the clinical significance of this alteration remains unclear.

Labcorp Genetics (formerly Invitae), Labcorp
Classification: Uncertain significance for Hereditary cancer-predisposing syndrome. Last evaluated: 2022-01-03. Review status: criteria provided, single submitter. Criteria: Invitae Variant Classification Sherloc (09022015). Collection method: clinical testing. Allele origin: germline.
Comment: In summary, the available evidence is currently insufficient to determine the role of this variant in disease. Therefore, it has been classified as a Variant of Uncertain Significance. Algorithms developed to predict the effect of missense changes on protein structure and function (SIFT, PolyPhen-2, Align-GVGD) all suggest that this variant is likely to be tolerated. This variant has not been reported in the literature in individuals affected with RAD50-related conditions. This variant is not present in population databases (gnomAD no frequency). This sequence change replaces methionine, which is neutral and non-polar, with threonine, which is neutral and polar, at codon 1108 of the RAD50 protein (p.Met1108Thr).